The following is an entry in ClinVar:

NM_016111.4(TELO2):c.1382C>T (p.Thr461Met)

Gene: TELO2 (telomere maintenance 2; plus strand). Cytogenetic location: 16p13.3.
Variant type: single nucleotide variant.
Coding change: c.1382C>T on transcript NM_016111.4 (MANE Select); coding-DNA position 1382, C replaced by T.
Protein change: p.Thr461Met; replaces threonine 461 with methionine.
Molecular consequence: missense variant.
Genome position (GRCh38, 1-based): chr16:1,501,683, C>T. VCF-style: chr16-1501683-C-T. GRCh37 (hg19) VCF-style: chr16-1551684-C-T.
Other names: c.1382C>T, p.Thr461Met (NM_001351846.2); short protein forms T461M.
Identifiers: ClinVar variation 1033803 (VCV001033803.3), dbSNP rs199748546, ClinGen allele CA7812117.
Genomic context (GRCh38, chr16:1,501,683, plus strand): 5'-AGGGGCCCCTAAAGGATTTTTGTTCCTTGTTTCCTTAAAGCACGTCCCTCGTTCCAGCCA[C>T]GGCAGAGCCCCCTGCAGAGACCCCCGCAGAGATCGTGGATGGCGGCGTCCCCCAAGCACA-3'
Protein context (NP_057195.2, residues 451-471): SEAGTSLVPA[Thr461Met]AEPPAETPAE

ClinVar aggregate classification (germline): Uncertain significance. Review status: criteria provided, multiple submitters, no conflicts (2 of 4 stars). 2 submissions from 2 submitters: Uncertain significance (2). Last evaluated 2022-06-21.

Conditions:
TELO2-related intellectual disability-neurodevelopmental disorder. Also called: You-Hoover-Fong syndrome. Identifiers: Orphanet 488642, MedGen C4310778, MONDO:0014848, OMIM 616954.

Allele frequency attached by ClinVar (database versions not stated): TOPMed 0.00010.
gnomAD v4.1: 43 of 1,610,118 alleles (0.0027%); highest among the groups gnomAD compares: African/African-American, 0.028%; no homozygotes.

Submissions (2):

Labcorp Genetics (formerly Invitae), Labcorp
Classification: Uncertain significance. Last evaluated: 2022-06-21. Review status: criteria provided, single submitter. Criteria: Invitae Variant Classification Sherloc (09022015). Collection method: clinical testing. Allele origin: germline.
Comment: This sequence change replaces threonine, which is neutral and polar, with methionine, which is neutral and non-polar, at codon 461 of the TELO2 protein (p.Thr461Met). This variant is present in population databases (rs199748546, gnomAD 0.03%). This variant has not been reported in the literature in individuals affected with TELO2-related conditions. ClinVar contains an entry for this variant (Variation ID: 1033803). Algorithms developed to predict the effect of missense changes on protein structure and function (SIFT, PolyPhen-2, Align-GVGD) all suggest that this variant is likely to be tolerated. In summary, the available evidence is currently insufficient to determine the role of this variant in disease. Therefore, it has been classified as a Variant of Uncertain Significance.

Baylor Genetics
Classification: Uncertain significance for TELO2-related intellectual disability-neurodevelopmental disorder. Last evaluated: 2018-02-23. Review status: criteria provided, single submitter. Criteria: ACMG Guidelines, 2015. Collection method: clinical testing. Allele origin: paternal. Affected: yes.
Comment: This variant was determined to be of uncertain significance according to ACMG Guidelines, 2015 [PMID:25741868].